The following is an entry in ClinVar:

ClinVar aggregate classification (germline): Uncertain significance. Review status: no assertion criteria provided (0 of 4 stars). 2 submissions from 1 submitter: Uncertain significance (1). 1 of the submissions does not count toward it.

Submissions (2):

Richard Lifton Laboratory, Yale University School of Medicine
Classification: Uncertain significance. Review status: no assertion criteria provided. Collection method: not provided. Allele origin: somatic.
Comment: DKC1:p.G383S
ClinVar note: Converted during submission from unknown to Uncertain significance.

Richard Lifton Laboratory, Yale University School of Medicine
Classification: Uncertain significance. Review status: flagged submission. Collection method: not provided. Allele origin: somatic. Not counted in ClinVar's aggregate classification.
ClinVar note: Converted during submission from unknown to Uncertain significance.
ClinVar note: Reason: This record appears to be redundant with a more recent record from the same submitter.
ClinVar note: Notes: SCV000120053 appears to be redundant with SCV000155156.

NM_001363.5(DKC1):c.1147G>A (p.Gly383Ser)

Gene: DKC1 (dyskerin pseudouridine synthase 1; plus strand). Cytogenetic location: Xq28.
Variant type: single nucleotide variant.
Coding change: c.1147G>A on transcript NM_001363.5 (MANE Select); coding-DNA position 1147, G replaced by A.
Protein change: p.Gly383Ser; replaces glycine 383 with serine.
Molecular consequence: missense variant. On other transcripts: non-coding transcript variant (3).
Genome position (GRCh38, 1-based): chrX:154,773,241, G>A. VCF-style: chrX-154773241-G-A. GRCh37 (hg19) VCF-style: chrX-154001516-G-A.
Other names: c.1147G>A, p.Gly383Ser (NM_001142463.3, NM_001288747.2); short protein forms G383S.
Identifiers: ClinVar variation 100833 (VCV000100833.2), dbSNP rs483352713, ClinGen allele CA229089.